The following is an entry in ClinVar:

NM_001710.6(CFB):c.1409-18A>G

Gene: CFB (complement factor B; plus strand). Cytogenetic location: 6p21.33.
Variant type: single nucleotide variant.
Coding change: c.1409-18A>G on transcript NM_001710.6 (MANE Select); 18 bases into the intron before coding-DNA position 1409, A replaced by G.
Molecular consequence: intron variant.
Genome position (GRCh38, 1-based): chr6:31,950,032, A>G. VCF-style: chr6-31950032-A-G. GRCh37 (hg19) VCF-style: chr6-31917809-A-G.
Other names: c.1409-18A>G (NM_001710.5).
Identifiers: ClinVar variation 1543028 (VCV001543028.9), dbSNP rs147831298, ClinGen allele CA3728331.

ClinVar aggregate classification (germline): Benign/Likely benign. Review status: criteria provided, multiple submitters, no conflicts (2 of 4 stars). 2 submissions from 2 submitters: Benign (1); Likely benign (1). Last evaluated 2025-10-21.

Allele frequency attached by ClinVar (database versions not stated): gnomAD exomes 0.00004 and 0.00013; ExAC 0.00015; ESP Exome Variant Server 0.00024; 1000 Genomes Project 0.00040; gnomAD 0.00048 and 0.00054; TOPMed 0.00061; 1000 Genomes Project 30x 0.00062.

Submissions (2):

Labcorp Genetics (formerly Invitae), Labcorp
Classification: Benign. Last evaluated: 2025-10-21. Review status: criteria provided, single submitter. Criteria: Invitae Variant Classification Sherloc (09022015). Collection method: clinical testing. Allele origin: germline.

Mayo Clinic Laboratories, Mayo Clinic
Classification: Likely benign. Last evaluated: 2023-02-23. Review status: criteria provided, single submitter. Criteria: ACMG Guidelines, 2015. Collection method: clinical testing. Allele origin: germline. Observed: 1 variant allele.
Comment: BP4, BP7